The following is an entry in ClinVar:

NM_003924.4(PHOX2B):c.692G>A (p.Gly231Asp)

Gene: PHOX2B (paired like homeobox 2B; minus strand). Cytogenetic location: 4p13.
Variant type: single nucleotide variant.
Coding change: c.692G>A on transcript NM_003924.4 (MANE Select); coding-DNA position 692, G replaced by A.
Protein change: p.Gly231Asp; replaces glycine 231 with aspartic acid.
Molecular consequence: missense variant.
Genome position (GRCh38, 1-based): chr4:41,746,060, C>T on the plus strand (G>A on the coding strand, the complement: PHOX2B is on the minus strand). VCF-style: chr4-41746060-C-T. GRCh37 (hg19) VCF-style: chr4-41748077-C-T.
Other names: short protein forms G231D.
Identifiers: ClinVar variation 642737 (VCV000642737.13), dbSNP rs1044995380, ClinGen allele CA95828497.

ClinVar aggregate classification (germline): Uncertain significance. Review status: criteria provided, multiple submitters, no conflicts (2 of 4 stars). 3 submissions from 3 submitters: Uncertain significance (3). Last evaluated 2025-06-13.

Conditions:
Hereditary cancer-predisposing syndrome. Also called: Neoplastic Syndromes, Hereditary; Tumor predisposition; Hereditary neoplastic syndrome; Hereditary Cancer Syndrome. Identifiers: Orphanet 140162, MedGen C0027672, MeSH D009386, MONDO:0015356.
Haddad syndrome (OHD). Also called: Ondine-Hirschsprung disease. Identifiers: Orphanet 99803, MedGen C1859049, MONDO:0020493.

Allele frequency attached by ClinVar (database versions not stated): gnomAD 0.00001; TOPMed 0.00001; gnomAD exomes 0.00002.
gnomAD v4.1: 15 of 1,355,752 alleles (0.0011%); highest among the groups gnomAD compares: Non-Finnish European, 0.0013%; no homozygotes.

Submissions (3):

Ambry Genetics
Classification: Uncertain significance for Hereditary cancer-predisposing syndrome. Last evaluated: 2025-06-13. Review status: criteria provided, single submitter. Criteria: Ambry Variant Classification Scheme 2023. Collection method: clinical testing. Allele origin: germline.
Comment: The p.G231D variant (also known as c.692G>A), located in coding exon 3 of the PHOX2B gene, results from a G to A substitution at nucleotide position 692. The glycine at codon 231 is replaced by aspartic acid, an amino acid with similar properties. This amino acid position is not well conserved in available vertebrate species. In addition, the in silico prediction for this alteration is inconclusive. Since supporting evidence is limited at this time, the clinical significance of this alteration remains unclear.

GeneDx
Classification: Uncertain significance. Last evaluated: 2023-01-05. Review status: criteria provided, single submitter. Criteria: GeneDx Variant Classification Process June 2021. Collection method: clinical testing. Allele origin: germline. Affected: yes.
Comment: Not observed at significant frequency in large population cohorts (gnomAD); In silico analysis supports that this missense variant does not alter protein structure/function; Has not been previously published as pathogenic or benign to our knowledge

Labcorp Genetics (formerly Invitae), Labcorp
Classification: Uncertain significance for Haddad syndrome. Last evaluated: 2021-11-02. Review status: criteria provided, single submitter. Criteria: Invitae Variant Classification Sherloc (09022015). Collection method: clinical testing. Allele origin: germline.
Comment: In summary, the available evidence is currently insufficient to determine the role of this variant in disease. Therefore, it has been classified as a Variant of Uncertain Significance. Algorithms developed to predict the effect of missense changes on protein structure and function are either unavailable or do not agree on the potential impact of this missense change (SIFT: "Tolerated"; PolyPhen-2: "Not Available"; Align-GVGD: "Class C0"). ClinVar contains an entry for this variant (Variation ID: 642737). This variant has not been reported in the literature in individuals affected with PHOX2B-related conditions. This variant is present in population databases (no rsID available, gnomAD 0.005%). This sequence change replaces glycine, which is neutral and non-polar, with aspartic acid, which is acidic and polar, at codon 231 of the PHOX2B protein (p.Gly231Asp).